The following is an entry in ClinVar:

ClinVar aggregate classification (germline): Uncertain significance (1 of 4 stars; one submission).

Conditions:
Bardet-Biedl syndrome (BBS). Identifiers: Orphanet 110, MedGen C0752166, MONDO:0015229.

Submission:

Labcorp Genetics (formerly Invitae), Labcorp
Classification: Uncertain significance for Bardet-Biedl syndrome. Last evaluated: 2022-02-23. Review status: criteria provided, single submitter. Criteria: Invitae Variant Classification Sherloc (09022015). Collection method: clinical testing. Allele origin: germline.
Comment: This sequence change replaces methionine, which is neutral and non-polar, with isoleucine, which is neutral and non-polar, at codon 504 of the TTC8 protein (p.Met504Ile). This variant is not present in population databases (gnomAD no frequency). This variant has not been reported in the literature in individuals affected with TTC8-related conditions. ClinVar contains an entry for this variant (Variation ID: 1018977). Algorithms developed to predict the effect of missense changes on protein structure and function (SIFT, PolyPhen-2, Align-GVGD) all suggest that this variant is likely to be tolerated. In summary, the available evidence is currently insufficient to determine the role of this variant in disease. Therefore, it has been classified as a Variant of Uncertain Significance.

NM_144596.4(TTC8):c.1542G>T (p.Met514Ile)

Gene: TTC8 (tetratricopeptide repeat domain 8; plus strand). Cytogenetic location: 14q31.3.
Variant type: single nucleotide variant.
Coding change: c.1542G>T on transcript NM_144596.4 (MANE Select); coding-DNA position 1542, G replaced by T.
Protein change: p.Met514Ile; replaces methionine 514 with isoleucine.
Molecular consequence: missense variant. On other transcripts: non-coding transcript variant (1).
Genome position (GRCh38, 1-based): chr14:88,877,404, G>T. VCF-style: chr14-88877404-G-T. GRCh37 (hg19) VCF-style: chr14-89343748-G-T.
Other names: c.1590G>T, p.Met530Ile (NM_001288781.1); c.948G>T, p.Met316Ile (NM_001288782.1); c.825G>T, p.Met275Ile (NM_001288783.1); c.1428G>T, p.Met476Ile (NM_001366535.2); c.1338G>T, p.Met446Ile (NM_001366536.2); c.1512G>T, p.Met504Ile (NM_198309.3); c.1422G>T, p.Met474Ile (NM_198310.3); short protein forms M275I, M316I, M446I, M474I, M476I, M504I, M514I, M530I.
Identifiers: ClinVar variation 1018977 (VCV001018977.6), dbSNP rs571571526, ClinGen allele CA390555706.